The following is an entry in ClinVar:

NM_017875.4(SLC25A38):c.*490G>A

Gene: SLC25A38 (solute carrier family 25 member 38; plus strand). Cytogenetic location: 3p22.1.
Variant type: single nucleotide variant.
Coding change: c.*490G>A on transcript NM_017875.4 (MANE Select); 490 bases downstream of the stop codon, G replaced by A.
Molecular consequence: 3 prime UTR variant.
Genome position (GRCh38, 1-based): chr3:39,397,010, G>A. VCF-style: chr3-39397010-G-A. GRCh37 (hg19) VCF-style: chr3-39438501-G-A.
Other names: c.*490G>A (LRG_1133t1); c.*524G>A (NM_001354798.2).
Identifiers: ClinVar variation 345158 (VCV000345158.6), dbSNP rs150889211, ClinGen allele CA10616372.
Genomic context (GRCh38, chr3:39,397,010, plus strand): 5'-TGAGGAGAGGAGTCACTGTCACCAGGTCACAGACTGACTGAGGTGATGGTAGGATGAGGA[G>A]GAACAGATGCCCTTCTTTAATTGGTTCTCAGTTAACTTCTCAGAGGCTCTGGAGAACGGG-3'

ClinVar aggregate classification (germline): Likely benign (1 of 4 stars; one submission).

Conditions:
Sideroblastic anemia 2. Also called: Anemia, sideroblastic, 2, pyridoxine-refractory. Identifiers: Orphanet 260305, MedGen C4225425, MONDO:0008785, OMIM 205950.

Allele frequency attached by ClinVar (database versions not stated): 1000 Genomes Project 0.00100; gnomAD exomes 0.00132; 1000 Genomes Project 30x 0.00078; gnomAD 0.00095 and 0.00096; TOPMed 0.00097.
gnomAD v4.1: 224 of 212,414 alleles (0.11%); highest among the groups gnomAD compares: Non-Finnish European, 0.16%; no homozygotes.

Submission:

Illumina Laboratory Services, Illumina
Classification: Likely benign for Sideroblastic anemia 2. Last evaluated: 2018-01-13. Review status: criteria provided, single submitter. Criteria: ICSL Variant Classification Criteria 13 December 2019. Collection method: clinical testing. Allele origin: germline.
Comment: This variant was observed in the ICSL laboratory as part of a predisposition screen in an ostensibly healthy population. It had not been previously curated by ICSL or reported in the Human Gene Mutation Database (HGMD: prior to June 1st, 2018), and was therefore a candidate for classification through an automated scoring system. Utilizing variant allele frequency, disease prevalence and penetrance estimates, and inheritance mode, an automated score was calculated to assess if this variant is too frequent to cause the disease. Based on the score and internal cut-off values, a variant classified as likely benign is not then subjected to further curation. The score for this variant resulted in a classification of likely benign for this disease.